The following is an entry in ClinVar:

ClinVar aggregate classification (germline): Uncertain significance. Review status: criteria provided, multiple submitters, no conflicts (2 of 4 stars). 2 submissions from 2 submitters: Uncertain significance (2). Last evaluated 2024-08-28.

Allele frequency attached by ClinVar (database versions not stated): TOPMed below 0.00001.

Submissions (2):

Labcorp Genetics (formerly Invitae), Labcorp
Classification: Uncertain significance. Last evaluated: 2024-08-28. Review status: criteria provided, single submitter. Criteria: Invitae Variant Classification Sherloc (09022015). Collection method: clinical testing. Allele origin: germline.
Comment: This sequence change replaces proline, which is neutral and non-polar, with leucine, which is neutral and non-polar, at codon 291 of the TWNK protein (p.Pro291Leu). This variant is not present in population databases (gnomAD no frequency). This variant has not been reported in the literature in individuals affected with TWNK-related conditions. ClinVar contains an entry for this variant (Variation ID: 1325959). Invitae Evidence Modeling of protein sequence and biophysical properties (such as structural, functional, and spatial information, amino acid conservation, physicochemical variation, residue mobility, and thermodynamic stability) indicates that this missense variant is expected to disrupt TWNK protein function with a positive predictive value of 95%. In summary, the available evidence is currently insufficient to determine the role of this variant in disease. Therefore, it has been classified as a Variant of Uncertain Significance.

GeneDx
Classification: Uncertain significance. Last evaluated: 2024-06-18. Review status: criteria provided, single submitter. Criteria: GeneDx Variant Classification Process June 2021. Collection method: clinical testing. Allele origin: germline. Affected: yes.
Comment: Not observed in large population cohorts (gnomAD); In silico analysis supports that this missense variant has a deleterious effect on protein structure/function; Has not been previously published as pathogenic or benign to our knowledge

NM_021830.5(TWNK):c.872C>T (p.Pro291Leu)

Gene: TWNK (twinkle mtDNA helicase; plus strand). Cytogenetic location: 10q24.31.
Variant type: single nucleotide variant.
Coding change: c.872C>T on transcript NM_021830.5 (MANE Select); coding-DNA position 872, C replaced by T.
Protein change: p.Pro291Leu; replaces proline 291 with leucine.
Molecular consequence: missense variant. On other transcripts: non-coding transcript variant (4), intron variant (3).
Genome position (GRCh38, 1-based): chr10:100,989,082, C>T. VCF-style: chr10-100989082-C-T. GRCh37 (hg19) VCF-style: chr10-102748839-C-T.
Other names: c.872C>T, p.Pro291Leu (NM_001163812.2); c.-119-562C>T (NM_001163814.2, NM_001163813.2); c.-57-624C>T (NM_001368275.1); short protein forms P291L.
Identifiers: ClinVar variation 1325959 (VCV001325959.5), dbSNP rs1851684418, ClinGen allele CA378208742.